The following is an entry in ClinVar:

ClinVar aggregate classification (germline): Uncertain significance. Review status: criteria provided, single submitter (1 of 4 stars). 2 submissions from 2 submitters: Uncertain significance (1). 1 of the submissions does not count toward it. Last evaluated 2022-04-12.

Conditions:
Holoprosencephaly 3 (HPE3). Identifiers: Orphanet 2162, MedGen C1840529, MONDO:0007733, OMIM 142945.
Microphthalmia, isolated, with coloboma 5 (MCOPCB5). Also called: MICROPHTHALMIA/COLOBOMA 5; Microphthalmia with Coloboma 5. Identifiers: Orphanet 98938, MedGen C1968843, MONDO:0012709, OMIM 611638.

Submissions (2):

Labcorp Genetics (formerly Invitae), Labcorp
Classification: Uncertain significance for Holoprosencephaly 3. Last evaluated: 2022-04-12. Review status: criteria provided, single submitter. Criteria: Invitae Variant Classification Sherloc (09022015). Collection method: clinical testing. Allele origin: germline.
Comment: In summary, the available evidence is currently insufficient to determine the role of this variant in disease. Therefore, it has been classified as a Variant of Uncertain Significance. This variant is also known as 402_409del. This variant has been observed in individual(s) with clinical features of colobomatous microphthalmia and unaffected family members (PMID: 12503095, 20425842). This variant is present in population databases (rs780129844, gnomAD 0.01%). This variant, c.1210_1233del, results in the deletion of 8 amino acid(s) of the SHH protein (p.Gly404_Gly411del), but otherwise preserves the integrity of the reading frame.

OMIM
Classification: Pathogenic for MICROPHTHALMIA/COLOBOMA 5. Last evaluated: 2010-05-01. Review status: no assertion criteria provided. Collection method: literature only. Allele origin: germline. Not counted in ClinVar's aggregate classification.

Literature cited by the submitters: PubMed 12503095 (cited by Labcorp Genetics (formerly Invitae), Labcorp and OMIM); PubMed 20425842 (cited by Labcorp Genetics (formerly Invitae), Labcorp and OMIM); PubMed 10556296 (cited by OMIM).

NM_000193.4(SHH):c.1210_1233del (p.Gly404_Gly411del)

Gene: SHH (sonic hedgehog signaling molecule; minus strand). Cytogenetic location: 7q36.3.
Variant type: Deletion.
Coding change: c.1210_1233del on transcript NM_000193.4 (MANE Select); coding-DNA positions 1210 to 1233, 24 bases deleted (GGGGACCGCGGGGGCGGCGGCGGC).
Protein change: p.Gly404_Gly411del.
Molecular consequence: inframe deletion. On other transcripts: intron variant (1).
Genome position (GRCh38, 1-based): chr7:155,803,056-155,803,079, GCCGCCGCCGCCCCCGCGGTCCCC deleted on the plus strand (GGGGACCGCGGGGGCGGCGGCGGC on the coding strand, the reverse complement: SHH is on the minus strand); deleting any 24 consecutive bases within chr7:155,803,056-155,803,087 gives the same sequence; the c. name uses the placement nearest the transcript's 3' end. VCF-style (leftmost placement, unchanged base first): chr7-155803055-TGCCGCCGCCGCCCCCGCGGTCCCC-T. GRCh37 (hg19) VCF-style: chr7-155595749-TGCCGCCGCCGCCCCCGCGGTCCCC-T.
Other names: 24-BP DEL, NT1353; c.302-2834_302-2811del (NM_001310462.2).
Identifiers: ClinVar variation 1381826 (VCV001381826.10), dbSNP rs780129844, ClinGen allele CA4586902.